The following is an entry in ClinVar:

NM_001184.4(ATR):c.5349G>T (p.Gln1783His)

Gene: ATR (ATR checkpoint kinase; minus strand). Cytogenetic location: 3q23.
Variant type: single nucleotide variant.
Coding change: c.5349G>T on transcript NM_001184.4 (MANE Select); coding-DNA position 5349, G replaced by T.
Protein change: p.Gln1783His; replaces glutamine 1783 with histidine.
Molecular consequence: missense variant.
Genome position (GRCh38, 1-based): chr3:142,499,658, C>A on the plus strand (G>T on the coding strand, the complement: ATR is on the minus strand). VCF-style: chr3-142499658-C-A. GRCh37 (hg19) VCF-style: chr3-142218500-C-A.
Other names: c.5157G>T, p.Gln1719His (NM_001354579.2); short protein forms Q1783H, Q1719H.
Identifiers: ClinVar variation 343601 (VCV000343601.8), dbSNP rs886058055, ClinGen allele CA2649635.
Genomic context (GRCh38, chr3:142,499,658, plus strand): 5'-ACTGCTTATATTTTAAGAAGTAATTTTACCTGCTGCCAAATAGTTTTCCACCAAATCCCA[C>A]TGTGACAATTTCCAAGCTGCTTCCACTCTGTACGTGTTTAATTCATCTGTCCACTCGGAC-3'
Protein context (NP_001175.2, residues 1773-1793): YRVEAAWKLS[Gln1783His]WDLVENYLAA

ClinVar aggregate classification (germline): Uncertain significance. Review status: criteria provided, multiple submitters, no conflicts (2 of 4 stars). 2 submissions from 2 submitters: Uncertain significance (2). Last evaluated 2023-08-30.

Conditions:
Seckel syndrome 1 (SCKL1). Also called: MICROCEPHALIC PRIMORDIAL DWARFISM I. Identifiers: Orphanet 808, MedGen C4551474, MONDO:0008869, OMIM 210600.

Allele frequency attached by ClinVar (database versions not stated): TOPMed below 0.00001; ExAC 0.00001; gnomAD 0.00001; gnomAD exomes 0.00001.
gnomAD v4.1: 20 of 1,613,994 alleles (0.0012%); highest among the groups gnomAD compares: Non-Finnish European, 0.0016%; no homozygotes.

Submissions (2):

Labcorp Genetics (formerly Invitae), Labcorp
Classification: Uncertain significance. Last evaluated: 2023-08-30. Review status: criteria provided, single submitter. Criteria: Invitae Variant Classification Sherloc (09022015). Collection method: clinical testing. Allele origin: germline.
Comment: In summary, the available evidence is currently insufficient to determine the role of this variant in disease. Therefore, it has been classified as a Variant of Uncertain Significance. An algorithm developed to predict the effect of missense changes on protein structure and function (PolyPhen-2) suggests that this variant is likely to be tolerated. ClinVar contains an entry for this variant (Variation ID: 343601). This variant has not been reported in the literature in individuals affected with ATR-related conditions. This variant is present in population databases (no rsID available, gnomAD 0.002%). This sequence change replaces glutamine, which is neutral and polar, with histidine, which is basic and polar, at codon 1783 of the ATR protein (p.Gln1783His).

Illumina Laboratory Services, Illumina
Classification: Uncertain significance for Seckel syndrome 1. Last evaluated: 2018-01-12. Review status: criteria provided, single submitter. Criteria: ICSL Variant Classification Criteria 13 December 2019. Collection method: clinical testing. Allele origin: germline.